The following is an entry in ClinVar:

NM_004991.4(MECOM):c.3347A>T (p.Asp1116Val)

Gene: MECOM (MDS1 and EVI1 complex locus; minus strand). Cytogenetic location: 3q26.2.
Variant type: single nucleotide variant.
Coding change: c.3347A>T on transcript NM_004991.4 (MANE Select); coding-DNA position 3347, A replaced by T.
Protein change: p.Asp1116Val; replaces aspartic acid 1116 with valine.
Molecular consequence: missense variant.
Genome position (GRCh38, 1-based): chr3:169,090,054, T>A on the plus strand (A>T on the coding strand, the complement: MECOM is on the minus strand). VCF-style: chr3-169090054-T-A. GRCh37 (hg19) VCF-style: chr3-168807842-T-A.
Other names: c.2978A>T, p.Asp993Val (NM_001105077.4); c.2783A>T, p.Asp928Val (NM_001105078.4, NM_001205194.2, NM_001366469.2 and 1 more transcripts); c.2759A>T, p.Asp920Val (NM_001163999.2, NM_001366470.2); c.2756A>T, p.Asp919Val (NM_001164000.2, NM_001366471.2, NM_001366472.2); c.3320A>T, p.Asp1107Val (NM_001366466.2); c.2786A>T, p.Asp929Val (NM_001366467.2, NM_001366468.2); c.2348A>T, p.Asp783Val (NM_001366473.2); c.1784A>T, p.Asp595Val (NM_001366474.2); short protein forms D1107V, D1116V, D919V, D920V, D928V, D993V, D929V, D595V.
Identifiers: ClinVar variation 4053127 (VCV004053127.1).

ClinVar aggregate classification (germline): Uncertain significance (1 of 4 stars; one submission).

Conditions:
Inborn genetic diseases. Identifiers: MedGen C0950123, MeSH D030342.

gnomAD v4.1: 1 of 1,613,676 alleles (0.000062%); highest among the groups gnomAD compares: Admixed American, 0.0017%; no homozygotes.

Submission:

Ambry Genetics
Classification: Uncertain significance for Inborn genetic diseases. Last evaluated: 2025-03-31. Review status: criteria provided, single submitter. Criteria: Ambry Variant Classification Scheme 2023. Collection method: clinical testing. Allele origin: germline.
Comment: The p.D1116V variant (also known as c.3347A>T), located in coding exon 15 of the MECOM gene, results from an A to T substitution at nucleotide position 3347. The aspartic acid at codon 1116 is replaced by valine, an amino acid with highly dissimilar properties. This amino acid position is conserved. In addition, this alteration is predicted to be tolerated by in silico analysis. Based on the available evidence, the clinical significance of this variant remains unclear.